The following is an entry in ClinVar:

NM_032581.4(HYCC1):c.168C>G (p.Val56=)

Gene: HYCC1 (hyccin PI4KA lipid kinase complex subunit 1; minus strand). Cytogenetic location: 7p15.3.
Variant type: single nucleotide variant.
Coding change: c.168C>G on transcript NM_032581.4 (MANE Select); coding-DNA position 168, C replaced by G.
Protein change: p.Val56=; no amino-acid change (valine 56 retained).
Molecular consequence: synonymous variant.
Genome position (GRCh38, 1-based): chr7:22,978,434, G>C on the plus strand (C>G on the coding strand, the complement: HYCC1 is on the minus strand). VCF-style: chr7-22978434-G-C. GRCh37 (hg19) VCF-style: chr7-23018053-G-C.
Other names: c.168C>G, p.Val56= (NM_001363466.2, NM_001363467.2).
Identifiers: ClinVar variation 1536485 (VCV001536485.32), dbSNP rs1355887541, ClinGen allele CA453981789.

ClinVar aggregate classification (germline): Likely benign. Review status: criteria provided, multiple submitters, no conflicts (2 of 4 stars). 3 submissions from 3 submitters: Likely benign (3). Last evaluated 2024-03-18.

Conditions:
Hypomyelination and Congenital Cataract (HLD5). Also called: hypomyelinating leukodystrophy 5. Identifiers: Orphanet 85163, MedGen C1864663, MONDO:0012514, OMIM 610532.

Allele frequency attached by ClinVar (database versions not stated): gnomAD 0.00001; gnomAD exomes 0.00001.
gnomAD v4.1: 14 of 1,613,716 alleles (0.00087%); highest among the groups gnomAD compares: Non-Finnish European, 0.0012%; no homozygotes.

Submissions (3):

Blueprint Genetics
Classification: Likely benign. Last evaluated: 2024-03-18. Review status: criteria provided, single submitter. Criteria: ACMG Guidelines, 2015. Collection method: clinical testing. Allele origin: germline.

CeGaT Center for Human Genetics Tuebingen
Classification: Likely benign. Last evaluated: 2023-10-01. Review status: criteria provided, single submitter. Criteria: CeGaT Center For Human Genetics Tuebingen Variant Classification Criteria Version 2. Collection method: clinical testing. Allele origin: germline. Affected: yes. Observed: 1 variant allele.
Comment: HYCC1: BP4, BP7

Labcorp Genetics (formerly Invitae), Labcorp
Classification: Likely benign for Hypomyelination and Congenital Cataract. Last evaluated: 2023-08-04. Review status: criteria provided, single submitter. Criteria: Invitae Variant Classification Sherloc (09022015). Collection method: clinical testing. Allele origin: germline.